The following is an entry in ClinVar:

NM_080680.3(COL11A2):c.3475-83del

Gene: COL11A2 (collagen type XI alpha 2 chain; minus strand). Cytogenetic location: 6p21.32.
Variant type: Deletion.
Coding change: c.3475-83del on transcript NM_080680.3 (MANE Select); 83 bases into the intron before coding-DNA position 3475, one base deleted (G; older notation c.3475-83delG).
Molecular consequence: intron variant.
Genome position (GRCh38, 1-based): chr6:33,170,693, C deleted on the plus strand (G on the coding strand, the reverse complement: COL11A2 is on the minus strand); the first of 4 consecutive C bases (chr6:33,170,693-33,170,696); deleting any one gives the same sequence. VCF-style (leftmost placement, unchanged base first): chr6-33170692-TC-T. GRCh37 (hg19) VCF-style: chr6-33138469-TC-T.
Other names: c.3217-83del (NM_080681.3); c.3154-83del (NM_080679.3).
Identifiers: ClinVar variation 675909 (VCV000675909.1), dbSNP rs145273015, ClinGen allele CA137065009.

ClinVar aggregate classification (germline): Benign (1 of 4 stars; one submission).

Submission:

GeneDx
Classification: Benign. Last evaluated: 2018-06-14. Review status: criteria provided, single submitter. Criteria: GeneDx Variant Classification (06012015). Collection method: clinical testing. Allele origin: germline. Affected: yes.
Comment: This variant is considered likely benign or benign based on one or more of the following criteria: it is a conservative change, it occurs at a poorly conserved position in the protein, it is predicted to be benign by multiple in silico algorithms, and/or has population frequency not consistent with disease.